The following is an entry in ClinVar:

NM_007194.4(CHEK2):c.1201A>G (p.Thr401Ala)

Gene: CHEK2 (checkpoint kinase 2; minus strand). Cytogenetic location: 22q12.1.
Variant type: single nucleotide variant.
Coding change: c.1201A>G on transcript NM_007194.4 (MANE Select); coding-DNA position 1201, A replaced by G.
Protein change: p.Thr401Ala; replaces threonine 401 with alanine.
Molecular consequence: missense variant.
Genome position (GRCh38, 1-based): chr22:28,695,768, T>C on the plus strand (A>G on the coding strand, the complement: CHEK2 is on the minus strand). VCF-style: chr22-28695768-T-C. GRCh37 (hg19) VCF-style: chr22-29091756-T-C.
Other names: chr22:29,091,756T>C; p.T401A:ACT>GCT; c.1330A>G, p.Thr444Ala (NM_001005735.3); c.538A>G, p.Thr180Ala (NM_001257387.3); c.1000A>G, p.Thr334Ala (NM_001349956.3); c.1114A>G, p.Thr372Ala (NM_145862.3); short protein forms T401A, T334A, T372A, T180A, T444A.
Identifiers: ClinVar variation 126908 (VCV000126908.28), dbSNP rs121908704, ClinGen allele CA230680.
Genomic context (GRCh38, chr22:28,695,768, plus strand): 5'-ACCAGATAAAAAGAATAACTCCTAAACTCCAGCAGTCCACAGCACGGTTATACCCAGCAG[T>C]CCCAACAGAAACAAGAACTTCAGGCGCCAAGTAGGTGGGGGTTCCACATAAGGTTCTCAT-3'
Protein context (NP_009125.1, residues 391-411): LAPEVLVSVG[Thr401Ala]AGYNRAVDCW

ClinVar aggregate classification (germline): Uncertain significance. Review status: criteria provided, multiple submitters, no conflicts (2 of 4 stars). 11 submissions from 11 submitters: Uncertain significance (9). 2 of the submissions do not count toward it. Last evaluated 2026-01-20.

Conditions:
Hereditary cancer-predisposing syndrome. Also called: Hereditary Cancer Syndrome; Hereditary neoplastic syndrome; Tumor predisposition; Neoplastic Syndromes, Hereditary. Identifiers: Orphanet 140162, MedGen C0027672, MeSH D009386, MONDO:0015356.
Familial cancer of breast. Also called: BREAST CANCER, FAMILIAL; hereditary breast carcinoma; Hereditary breast cancer. Identifiers: Orphanet 227535, MedGen C0346153, MONDO:0016419, OMIM 114480. Disease mechanism: loss of function.

Allele frequency attached by ClinVar (database versions not stated): TOPMed below 0.00001; ExAC 0.00001; gnomAD 0.00001; gnomAD exomes 0.00001 and 0.00002.
gnomAD v4.1: 10 of 1,613,718 alleles (0.00062%); highest among the groups gnomAD compares: Non-Finnish European, 0.00076%; no homozygotes.

Submissions (11):

Labcorp Genetics (formerly Invitae), Labcorp
Classification: Uncertain significance for Familial cancer of breast. Last evaluated: 2026-01-20. Review status: criteria provided, single submitter. Criteria: Invitae Variant Classification Sherloc (09022015). Collection method: clinical testing. Allele origin: germline.
Comment: This sequence change replaces threonine, which is neutral and polar, with alanine, which is neutral and non-polar, at codon 401 of the CHEK2 protein (p.Thr401Ala). This variant is present in population databases (rs121908704, gnomAD 0.004%). This missense change has been observed in individual(s) with non-Hodgkin lymphoma, and breast cancer (PMID: 26506619, 30851065, 37449874). ClinVar contains an entry for this variant (Variation ID: 126908). An algorithm developed to predict the effect of missense changes on protein structure and function (PolyPhen-2) suggests that this variant is likely to be tolerated. Experimental studies are conflicting or provide insufficient evidence to determine the effect of this variant on CHEK2 function (PMID: 30851065, 37449874). In summary, the available evidence is currently insufficient to determine the role of this variant in disease. Therefore, it has been classified as a Variant of Uncertain Significance.

Women's Health and Genetics/Laboratory Corporation of America, LabCorp
Classification: Uncertain significance. Last evaluated: 2025-11-17. Review status: criteria provided, single submitter. Criteria: LabCorp Variant Classification Summary - May 2015. Collection method: clinical testing. Allele origin: germline.
Comment: Variant summary: CHEK2 c.1201A>G (p.Thr401Ala) results in a non-conservative amino acid change in the encoded protein sequence. Algorithms developed to predict the effect of missense changes on protein structure and function are either unavailable or do not agree on the potential impact of this missense change. The variant allele was found at a frequency of 1.6e-05 in 250994 control chromosomes. The available data on variant occurrences in the general population are insufficient to allow any conclusion about variant significance. c.1201A>G has been observed in individuals affected with non-Hodgkin lymphoma and breast cancer (e.g. Havranek_2015, Delimitsou_2019, Ozdemir_2024). These reports do not provide unequivocal conclusions about association of the variant with CHEK2-related cancers. At least two publications report experimental evidence evaluating an impact on protein function. One study found an intermmediate effect of the variant on CHEK2 function in a yeast-based growth-rate assay (Delimitsou_2019), whereas another study showed no damaging effect of the variant on CHEK2 phosphorylation and autophosphorylation activity in human cell lines (Stolarova_2023). The following publications have been ascertained in the context of this evaluation (PMID: 30851065, 26506619, 39594831, 37449874). ClinVar contains an entry for this variant (Variation ID: 126908). Based on the evidence outlined above, the variant was classified as uncertain significance.

Ambry Genetics
Classification: Uncertain significance for Hereditary cancer-predisposing syndrome. Last evaluated: 2025-05-29. Review status: criteria provided, single submitter. Criteria: Ambry Variant Classification Scheme 2023. Collection method: clinical testing. Allele origin: germline.
Comment: The p.T401A variant (also known as c.1201A>G), located in coding exon 10 of the CHEK2 gene, results from an A to G substitution at nucleotide position 1201. The threonine at codon 401 is replaced by alanine, an amino acid with similar properties. This alteration behaved as semi-functional in an in vivo, yeast-based growth rate assay (Delimitsou A et al. Hum Mutat, 2019 05;40:631-648). This amino acid position is well conserved in available vertebrate species. In addition, this alteration is predicted to be tolerated by in silico analysis. Since supporting evidence is limited at this time, the clinical significance of this alteration remains unclear.

Center for Genomic Medicine, Rigshospitalet, Copenhagen University Hospital
Classification: Uncertain significance. Last evaluated: 2025-03-04. Review status: criteria provided, single submitter. Criteria: ACMG Guidelines, 2015. Collection method: clinical testing. Allele origin: germline.

Baylor Genetics
Classification: Uncertain significance for Familial cancer of breast. Last evaluated: 2023-09-25. Review status: criteria provided, single submitter. Criteria: ACMG Guidelines, 2015. Collection method: clinical testing. Allele origin: unknown.

Myriad Genetics, Inc.
Classification: Uncertain significance for Familial cancer of breast. Last evaluated: 2023-03-09. Review status: criteria provided, single submitter. Criteria: Myriad Autosomal Dominant, Autosomal Recessive and X-Linked Classification Criteria (2023). Collection method: clinical testing. Allele origin: unknown.
Comment: This variant is classified as a variant of uncertain significance as there is insufficient evidence to determine its impact on protein function and/or cancer risk.

Clinical Genetics Laboratory, Skane University Hospital Lund
Classification: Uncertain significance. Last evaluated: 2022-05-27. Review status: criteria provided, single submitter. Criteria: ACMG Guidelines, 2015. Collection method: clinical testing. Allele origin: germline. Affected: yes.

Color Diagnostics, LLC DBA Color Health
Classification: Uncertain significance for Hereditary cancer-predisposing syndrome. Last evaluated: 2021-11-12. Review status: criteria provided, single submitter. Criteria: ACMG Guidelines, 2015. Collection method: clinical testing. Allele origin: germline.
Comment: This missense variant replaces threonine with alanine at codon 401 of the CHEK2 protein. Computational prediction suggests that this variant may not impact protein structure and function (internally defined REVEL score threshold <= 0.5, PMID: 27666373). A functional study has shown this variant to result in partial loss of CHEK2 function (PMID: 30851065). This variant has been reported in an individual affected with non-Hodgkin lymphoma (PMID: 26506619). This variant has been identified in 4/250994 chromosomes in the general population by the Genome Aggregation Database (gnomAD). The available evidence is insufficient to determine the role of this variant in disease conclusively. Therefore, this variant is classified as a Variant of Uncertain Significance.

GeneDx
Classification: Uncertain significance. Last evaluated: 2020-04-01. Review status: criteria provided, single submitter. Criteria: GeneDx Variant Classification Process June 2021. Collection method: clinical testing. Allele origin: germline. Affected: yes.
Comment: Not observed at a significant frequency in large population cohorts (Lek 2016); In silico analysis supports that this missense variant does not alter protein structure/function; Observed in an individual with non-Hodgkin lymphoma (Havranek 2015); Published functional studies are inconclusive: intermediate DNA damage response in in vivo yeast-based assays (Delimitsou 2019); This variant is associated with the following publications: (PMID: 26506619, 30851065)

Counsyl
Classification: Uncertain significance for Familial cancer of breast. Last evaluated: 2017-03-28. Review status: no assertion criteria provided. Collection method: clinical testing. Allele origin: unknown. Not counted in ClinVar's aggregate classification.

Institute. of Biochemistry and Experimental Oncology, First Faculty of Medicine, Charles University in Prague
No classification provided. Review status: no classification provided. Collection method: not provided. Allele origin: germline. Not counted in ClinVar's aggregate classification.
Comment: Characterized in 1 out of 340 Non-Hodgkin lymphoma patients.

Literature cited by the submitters: PubMed 26506619 (cited by 4 submitters); PubMed 30851065 (cited by 4 submitters); PubMed 37449874 (cited by Labcorp Genetics (formerly Invitae), Labcorp and Women's Health and Genetics/Laboratory Corporation of America, LabCorp); PubMed 39594831 (cited by Women's Health and Genetics/Laboratory Corporation of America, LabCorp).